The following is an entry in ClinVar:

NM_153682.3(PIGP):c.2T>C (p.Met1Thr)

Gene: PIGP (phosphatidylinositol glycan anchor biosynthesis class P; minus strand). Cytogenetic location: 21q22.13.
Variant type: single nucleotide variant.
Coding change: c.2T>C on transcript NM_153682.3 (MANE Select); coding-DNA position 2, T replaced by C.
Protein change: p.Met1Thr; changes the start codon (methionine 1).
Molecular consequence: missense variant, initiator codon variant. On other transcripts: 5 prime UTR variant (1).
Genome position (GRCh38, 1-based): chr21:37,072,514, A>G on the plus strand (T>C on the coding strand, the complement: PIGP is on the minus strand). VCF-style: chr21-37072514-A-G. GRCh37 (hg19) VCF-style: chr21-38444814-A-G.
Other names: c.2T>C, p.Met1Thr (NM_001320480.2); c.-243T>C (NM_016430.4); c.74T>C, p.Met25Thr (NM_153681.2); c.2T>C (NM_153682.2); short protein forms M25T, M1T.
Identifiers: ClinVar variation 397551 (VCV000397551.19), dbSNP rs768633670, ClinGen allele CA10021181.

ClinVar aggregate classification (germline): Pathogenic/Likely pathogenic. Review status: criteria provided, multiple submitters, no conflicts (2 of 4 stars). 8 submissions from 7 submitters: Pathogenic (1); Likely pathogenic (4). 3 of the submissions do not count toward it. Last evaluated 2025-11-10.

Conditions:
Developmental and epileptic encephalopathy, 55. Also called: GLYCOSYLPHOSPHATIDYLINOSITOL BIOSYNTHESIS DEFECT 14; Early infantile epileptic encephalopathy 55. Identifiers: MedGen C4539843, MONDO:0033364, OMIM 617599.
Developmental and epileptic encephalopathy. Identifiers: MedGen C5779964, MONDO:0100620.
PIGP-related disorder. Also called: PIGP-related condition.

Allele frequency attached by ClinVar (database versions not stated): gnomAD exomes 0.00003 and 0.00008; ExAC 0.00002; gnomAD 0.00004; TOPMed 0.00007.

Submissions (8):

Labcorp Genetics (formerly Invitae), Labcorp
Classification: Pathogenic. Last evaluated: 2025-11-10. Review status: criteria provided, single submitter. Criteria: Invitae Variant Classification Sherloc (09022015). Collection method: clinical testing. Allele origin: germline.
Comment: This sequence change replaces methionine, which is neutral and non-polar, with threonine, which is neutral and polar, at codon 25 of the PIGP protein (p.Met25Thr). This variant is present in population databases (rs768633670, gnomAD 0.006%). This missense change has been observed in individual(s) with early infantile epileptic encephalopathy (PMID: 28334793). In at least one individual the data is consistent with being in trans (on the opposite chromosome) from a pathogenic variant. It has also been observed to segregate with disease in related individuals. ClinVar contains an entry for this variant (Variation ID: 397551). An algorithm developed to predict the effect of missense changes on protein structure and function (PolyPhen-2) suggests that this variant is likely to be disruptive. Experimental studies have shown that this missense change affects PIGP function (PMID: 28334793). For these reasons, this variant has been classified as Pathogenic.

Dasa
Classification: Likely pathogenic for Developmental and epileptic encephalopathy, 55. Last evaluated: 2022-02-14. Review status: criteria provided, single submitter. Criteria: ACMG Guidelines, 2015. Collection method: clinical testing. Allele origin: germline. Affected: yes. Observed: 1 variant allele.
Comment: The c.2T>C;p.(Met1?) is a start-loss variant in the PIGP gene and predicts alteration of the nonsense-mediate decay - NMD is present in a relevant exon to the transcript -PVS1_supporting. Well-established in vitro or in vivo functional studies supportive of a damaging effect on the gene or gene product (PMID: 28334793) - PS3_supporting. This sequence change has been observed in affected individual(s) and ClinVar contains an entry for this variant (ClinVar ID: 397551; PMID: 28334793; 32042915; 31139695) - PS4. The variant is present at low allele frequencies population databases (rs768633670 - gnomAD 0.0003943%; ABraOM 0.000854 frequency) - PM2_supporting. The p.(Met1?) was detected in trans with a pathogenic variant (PMID: 28334793; 32042915) - PM3. In summary, the currently available evidence indicates that the variant is likely pathogenic.

Laboratorio de Genetica e Diagnostico Molecular, Hospital Israelita Albert Einstein
Classification: Likely pathogenic for Developmental and epileptic encephalopathy, 55. Last evaluated: 2021-11-23. Review status: criteria provided, single submitter. Criteria: ACMG Guidelines, 2015. Collection method: clinical testing. Allele origin: germline. Affected: yes.
Comment: ACMG classification criteria: PS3 supporting, PS4 supporting, PM2 moderate, PM3 moderate, PP1 supporting

Laboratorio de Genetica e Diagnostico Molecular, Hospital Israelita Albert Einstein
Classification: Likely pathogenic. Last evaluated: 2020-03-10. Review status: criteria provided, single submitter. Criteria: ACMG Guidelines, 2015. Collection method: clinical testing. Allele origin: germline. Affected: yes.
Comment: ACMG classification criteria: PS3, PS4, PM2, PM3

Mendelics
Classification: Likely pathogenic for Developmental and epileptic encephalopathy, 55. Last evaluated: 2019-05-28. Review status: criteria provided, single submitter. Criteria: Mendelics Assertion Criteria 2017. Collection method: clinical testing. Allele origin: unknown.

PreventionGenetics, part of Exact Sciences
Classification: Likely pathogenic for PIGP-related condition. Last evaluated: 2024-08-12. Review status: no assertion criteria provided. Collection method: clinical testing. Allele origin: germline. Not counted in ClinVar's aggregate classification.
Comment: The PIGP c.2T>C variant is predicted to disrupt the translation initiation site (Start loss). This variant has been reported in the compound heterozygous state and to segregate with disease in four individuals from two families affected with PIGP-related disorders (Johnstone et al. 2017. PubMed ID: 28334793; Martín-Grau C et al. 2023. PubMed ID: 37125481). Functional studies in vitro indicate that this variant impacts protein function through reduced PIGP protein expression and reduced cell surface expression of GPI-anchored proteins (Johnstone et al. 2017. PubMed ID: 28334793). This variant is reported in 0.0058% of alleles in individuals of Latino descent in gnomAD. Based on the available evidence, we classify this variant as likely pathogenic.

OMIM
Classification: Pathogenic for DEVELOPMENTAL AND EPILEPTIC ENCEPHALOPATHY 55. Last evaluated: 2020-11-11. Review status: no assertion criteria provided. Collection method: literature only. Allele origin: germline. Not counted in ClinVar's aggregate classification.

Care4Rare-SOLVE, CHEO
Classification: Uncertain significance for Early Infantile Epileptic Encephalopathy. Last evaluated: 2017-02-23. Review status: no assertion criteria provided. Collection method: research. Allele origin: maternal. Affected: yes. Observed: 3 variant alleles. Study: Care4Rare. Not counted in ClinVar's aggregate classification.
Comment: This variant was found in a compound heterozygous state with c.456delA.

Literature cited by the submitters: PubMed 28334793 (cited by 3 submitters); PubMed 32042915 (cited by Dasa); PubMed 31139695 (cited by Dasa).